The following is an entry in ClinVar:

NM_000254.3(MTR):c.349A>G (p.Met117Val)

Gene: MTR (5-methyltetrahydrofolate-homocysteine methyltransferase; plus strand). Cytogenetic location: 1q43.
Variant type: single nucleotide variant.
Coding change: c.349A>G on transcript NM_000254.3 (MANE Select); coding-DNA position 349, A replaced by G.
Protein change: p.Met117Val; replaces methionine 117 with valine.
Molecular consequence: missense variant. On other transcripts: 5 prime UTR variant (1).
Genome position (GRCh38, 1-based): chr1:236,808,713, A>G. VCF-style: chr1-236808713-A-G. GRCh37 (hg19) VCF-style: chr1-236972013-A-G.
Other names: c.349A>G (NM_000254.2); c.349A>G, p.Met117Val (NM_001291939.1); c.-760A>G (NM_001291940.2); short protein forms M117V.
Identifiers: ClinVar variation 1389985 (VCV001389985.6), dbSNP rs143180799, ClinGen allele CA1473713.

ClinVar aggregate classification (germline): Uncertain significance. Review status: criteria provided, multiple submitters, no conflicts (2 of 4 stars). 2 submissions from 2 submitters: Uncertain significance (2). Last evaluated 2024-05-02.

Conditions:
Methylcobalamin deficiency type cblG (HMAG). Also called: HOMOCYSTINURIA-MEGALOBLASTIC ANEMIA DUE TO DEFECT IN COBALAMIN METABOLISM, cblG COMPLEMENTATION TYPE; HOMOCYSTINURIA-MEGALOBLASTIC ANEMIA, cblG TYPE; HOMOCYSTINURIA-MEGALOBLASTIC ANEMIA, cblG COMPLEMENTATION TYPE; Functional methionine synthase deficiency type cblG. Identifiers: Orphanet 2170, Orphanet 622, MedGen C1855128, MONDO:0009609, OMIM 250940.
Inborn genetic diseases. Identifiers: MedGen C0950123, MeSH D030342.

Submissions (2):

Ambry Genetics
Classification: Uncertain significance for Inborn genetic diseases. Last evaluated: 2024-05-02. Review status: criteria provided, single submitter. Criteria: Ambry Variant Classification Scheme 2023. Collection method: clinical testing. Allele origin: germline.

Labcorp Genetics (formerly Invitae), Labcorp
Classification: Uncertain significance for Methylcobalamin deficiency type cblG. Last evaluated: 2021-08-20. Review status: criteria provided, single submitter. Criteria: Invitae Variant Classification Sherloc (09022015). Collection method: clinical testing. Allele origin: germline.
Comment: This sequence change replaces methionine with valine at codon 117 of the MTR protein (p.Met117Val). The methionine residue is moderately conserved and there is a small physicochemical difference between methionine and valine. This variant is present in population databases (rs143180799, ExAC 0.01%). This variant has not been reported in the literature in individuals affected with MTR-related conditions. Algorithms developed to predict the effect of missense changes on protein structure and function (SIFT, PolyPhen-2, Align-GVGD) all suggest that this variant is likely to be tolerated. Algorithms developed to predict the effect of sequence changes on RNA splicing suggest that this variant may create or strengthen a splice site. In summary, the available evidence is currently insufficient to determine the role of this variant in disease. Therefore, it has been classified as a Variant of Uncertain Significance.